The following is an entry in ClinVar:

NM_001378454.1(ALMS1):c.3922G>A (p.Glu1308Lys)

Gene: ALMS1 (ALMS1 centrosome and basal body associated protein; plus strand). Cytogenetic location: 2p13.1.
Variant type: single nucleotide variant.
Coding change: c.3922G>A on transcript NM_001378454.1 (MANE Select); coding-DNA position 3922, G replaced by A.
Protein change: p.Glu1308Lys; replaces glutamic acid 1308 with lysine.
Molecular consequence: missense variant.
Genome position (GRCh38, 1-based): chr2:73,450,449, G>A. VCF-style: chr2-73450449-G-A. GRCh37 (hg19) VCF-style: chr2-73677576-G-A.
Other names: c.3925G>A, p.Glu1309Lys (NM_015120.4); short protein forms E1308K, E1309K.
Identifiers: ClinVar variation 1878350 (VCV001878350.7), dbSNP rs2466099909, ClinGen allele CA347277082.
Genomic context (GRCh38, chr2:73,450,449, plus strand): 5'-CAATATAGAGAGAAGCCCAGCATTTTCTACCAACAGTCGTTGCCAAGTAGTCATCTAACT[G>A]AAGAGGCTAAGAATGTTTCAGCGGTTCCTGGACCAGCTGACCAGAAGACTGTGATACCAA-3'
Protein context (NP_001365383.1, residues 1298-1318): QQSLPSSHLT[Glu1308Lys]EAKNVSAVPG

ClinVar aggregate classification (germline): Uncertain significance. Review status: criteria provided, multiple submitters, no conflicts (2 of 4 stars). 3 submissions from 3 submitters: Uncertain significance (2). 1 of the submissions does not count toward it. Last evaluated 2022-12-20.

Conditions:
Alstrom syndrome (ALMS). Identifiers: Orphanet 64, MedGen C0268425, MONDO:0008763, OMIM 203800.
ALMS1-related disorder. Also called: ALMS1-related condition.

Allele frequency attached by ClinVar (database versions not stated): gnomAD exomes below 0.00001.
gnomAD v4.1: 1 of 1,613,718 alleles (0.000062%); highest among the groups gnomAD compares: Non-Finnish European, 0.000085%; no homozygotes.

Submissions (3):

Women's Health and Genetics/Laboratory Corporation of America, LabCorp
Classification: Uncertain significance. Last evaluated: 2022-12-20. Review status: criteria provided, single submitter. Criteria: LabCorp Variant Classification Summary - May 2015. Collection method: clinical testing. Allele origin: germline.

Labcorp Genetics (formerly Invitae), Labcorp
Classification: Uncertain significance for Alstrom syndrome. Last evaluated: 2022-06-24. Review status: criteria provided, single submitter. Criteria: Invitae Variant Classification Sherloc (09022015). Collection method: clinical testing. Allele origin: germline.
Comment: This variant has not been reported in the literature in individuals affected with ALMS1-related conditions. This variant is not present in population databases (gnomAD no frequency). This sequence change replaces glutamic acid, which is acidic and polar, with lysine, which is basic and polar, at codon 1309 of the ALMS1 protein (p.Glu1309Lys). In summary, the available evidence is currently insufficient to determine the role of this variant in disease. Therefore, it has been classified as a Variant of Uncertain Significance. Algorithms developed to predict the effect of missense changes on protein structure and function output the following: SIFT: "Not Available"; PolyPhen-2: "Not Available"; Align-GVGD: "Not Available". The lysine amino acid residue is found in multiple mammalian species, which suggests that this missense change does not adversely affect protein function.

PreventionGenetics, part of Exact Sciences
Classification: Uncertain significance for ALMS1-related condition. Last evaluated: 2024-06-25. Review status: no assertion criteria provided. Collection method: clinical testing. Allele origin: germline. Not counted in ClinVar's aggregate classification.
Comment: The ALMS1 c.3925G>A variant is predicted to result in the amino acid substitution p.Ala1309Thr. To our knowledge, this variant has not been reported in the literature or in a large population database, indicating this variant is rare. At this time, the clinical significance of this variant is uncertain due to the absence of conclusive functional and genetic evidence.